The following is an entry in ClinVar:

ClinVar aggregate classification (germline): Uncertain significance (1 of 4 stars; one submission).

Conditions:
Combined immunodeficiency due to DOCK8 deficiency (HIES2). Also called: HIES autosomal recessive; HYPER-IgE SYNDROME 2, AUTOSOMAL RECESSIVE, WITH RECURRENT INFECTIONS; HYPER-IgE RECURRENT INFECTION SYNDROME 2, AUTOSOMAL RECESSIVE; DOCK8 Deficiency; Hyper-IgE recurrent infection syndrome, autosomal recessive. Identifiers: Orphanet 217390, MedGen C4722305, MONDO:0009478, OMIM 243700.

Allele frequency attached by ClinVar (database versions not stated): gnomAD 0.00001 and 0.00002; gnomAD exomes 0.00001; ExAC 0.00002; TOPMed 0.00002.
gnomAD v4.1: 20 of 1,613,988 alleles (0.0012%); highest among the groups gnomAD compares: African/African-American, 0.008%; no homozygotes.

Submission:

Labcorp Genetics (formerly Invitae), Labcorp
Classification: Uncertain significance for Combined immunodeficiency due to DOCK8 deficiency. Last evaluated: 2022-10-04. Review status: criteria provided, single submitter. Criteria: Invitae Variant Classification Sherloc (09022015). Collection method: clinical testing. Allele origin: germline.
Comment: This variant has not been reported in the literature in individuals affected with DOCK8-related conditions. ClinVar contains an entry for this variant (Variation ID: 836812). Advanced modeling of protein sequence and biophysical properties (such as structural, functional, and spatial information, amino acid conservation, physicochemical variation, residue mobility, and thermodynamic stability) performed at Invitae indicates that this missense variant is not expected to disrupt DOCK8 protein function. In summary, the available evidence is currently insufficient to determine the role of this variant in disease. Therefore, it has been classified as a Variant of Uncertain Significance. This variant is present in population databases (rs144405517, gnomAD 0.003%). This sequence change replaces alanine, which is neutral and non-polar, with threonine, which is neutral and polar, at codon 1490 of the DOCK8 protein (p.Ala1490Thr).

NM_203447.4(DOCK8):c.4468G>A (p.Ala1490Thr)

Gene: DOCK8 (dedicator of cytokinesis 8; plus strand). Cytogenetic location: 9p24.3.
Variant type: single nucleotide variant.
Coding change: c.4468G>A on transcript NM_203447.4 (MANE Select); coding-DNA position 4468, G replaced by A.
Protein change: p.Ala1490Thr; replaces alanine 1490 with threonine.
Molecular consequence: missense variant.
Genome position (GRCh38, 1-based): chr9:428,491, G>A. VCF-style: chr9-428491-G-A. GRCh37 (hg19) VCF-style: chr9-428491-G-A.
Other names: c.4168G>A, p.Ala1390Thr (NM_001190458.2); c.4264G>A, p.Ala1422Thr (NM_001193536.2); short protein forms A1422T, A1490T, A1390T.
Identifiers: ClinVar variation 836812 (VCV000836812.10), dbSNP rs144405517, ClinGen allele CA4959084.
Genomic context (GRCh38, chr9:428,491, plus strand): 5'-AACTGTGATCAGAGTACCACCTACCTGACTCACTGCTTTGCAACACTCCGTGCTCTCATC[G>A]CCAAGGTAAACTTGGGATGCTTGTTTTCTTCCTCTTAATTAAGAGTAAGATTCTCATCTA-3'
Protein context (NP_982272.2, residues 1480-1500): HCFATLRALI[Ala1490Thr]KFGDLLFEEE